The following is an entry in ClinVar:

ClinVar aggregate classification (germline): Uncertain significance (1 of 4 stars; one submission).

Submission:

Labcorp Genetics (formerly Invitae), Labcorp
Classification: Uncertain significance. Last evaluated: 2025-11-19. Review status: criteria provided, single submitter. Criteria: Invitae Variant Classification Sherloc (09022015). Collection method: clinical testing. Allele origin: germline.
Comment: This sequence change replaces proline, which is neutral and non-polar, with serine, which is neutral and polar, at codon 44 of the HDAC4 protein (p.Pro44Ser). This variant is not present in population databases (gnomAD no frequency). This variant has not been reported in the literature in individuals affected with HDAC4-related conditions. ClinVar contains an entry for this variant (Variation ID: 1365757). An algorithm developed to predict the effect of missense changes on protein structure and function (PolyPhen-2) suggests that this variant is likely to be tolerated. In summary, the available evidence is currently insufficient to determine the role of this variant in disease. Therefore, it has been classified as a Variant of Uncertain Significance.

NM_001378414.1(HDAC4):c.130C>T (p.Pro44Ser)

Gene: HDAC4 (histone deacetylase 4; minus strand). Cytogenetic location: 2q37.3.
Variant type: single nucleotide variant.
Coding change: c.130C>T on transcript NM_001378414.1 (MANE Select); coding-DNA position 130, C replaced by T.
Protein change: p.Pro44Ser; replaces proline 44 with serine.
Molecular consequence: missense variant.
Genome position (GRCh38, 1-based): chr2:239,190,042, G>A on the plus strand (C>T on the coding strand, the complement: HDAC4 is on the minus strand). VCF-style: chr2-239190042-G-A. GRCh37 (hg19) VCF-style: chr2-240111738-G-A.
Other names: c.130C>T, p.Pro44Ser (NM_001378415.1, NM_001378416.1, NM_001378417.1 and 1 more transcripts); short protein forms P44S.
Identifiers: ClinVar variation 1365757 (VCV001365757.8), dbSNP rs963479880, ClinGen allele CA351275990.